The following is an entry in ClinVar:

NM_000548.5(TSC2):c.3753G>T (p.Lys1251Asn)

Gene: TSC2 (TSC complex subunit 2; plus strand). Cytogenetic location: 16p13.3.
Variant type: single nucleotide variant.
Coding change: c.3753G>T on transcript NM_000548.5 (MANE Select); coding-DNA position 3753, G replaced by T.
Protein change: p.Lys1251Asn; replaces lysine 1251 with asparagine.
Molecular consequence: missense variant.
Genome position (GRCh38, 1-based): chr16:2,081,737, G>T. VCF-style: chr16-2081737-G-T. GRCh37 (hg19) VCF-style: chr16-2131738-G-T.
Other names: c.3621G>T, p.Lys1207Asn (NM_001077183.3, NM_001370404.1); c.3753G>T, p.Lys1251Asn (NM_001114382.3); c.3513G>T, p.Lys1171Asn (NM_001318827.2); c.3477G>T, p.Lys1159Asn (NM_001318829.2); c.3021G>T, p.Lys1007Asn (NM_001318831.2); c.3654G>T, p.Lys1218Asn (NM_001318832.2); c.3624G>T, p.Lys1208Asn (NM_001363528.2, NM_001370405.1, NM_021055.3); short protein forms K1251N, K1218N, K1007N, K1159N, K1171N, K1207N, K1208N.
Identifiers: ClinVar variation 576147 (VCV000576147.11), dbSNP rs1567511020, ClinGen allele CA394293139.

ClinVar aggregate classification (germline): Uncertain significance. Review status: criteria provided, multiple submitters, no conflicts (2 of 4 stars). 2 submissions from 2 submitters: Uncertain significance (2). Last evaluated 2026-05-24.

Conditions:
Hereditary cancer-predisposing syndrome. Also called: Tumor predisposition; Hereditary Cancer Syndrome; Neoplastic Syndromes, Hereditary; Hereditary neoplastic syndrome. Identifiers: Orphanet 140162, MedGen C0027672, MeSH D009386, MONDO:0015356.
Tuberous sclerosis 2 (TSC2). Identifiers: Orphanet 805, MedGen C1860707, MONDO:0013199, OMIM 613254.

Submissions (2):

Ambry Genetics
Classification: Uncertain significance for Hereditary cancer-predisposing syndrome. Last evaluated: 2026-05-24. Review status: criteria provided, single submitter. Criteria: Ambry Variant Classification Scheme 2023. Collection method: clinical testing. Allele origin: germline.
Comment: The p.K1251N variant (also known as c.3753G>T), located in coding exon 30 of the TSC2 gene, results from a G to T substitution at nucleotide position 3753. The lysine at codon 1251 is replaced by asparagine, an amino acid with similar properties. This amino acid position is conserved. In addition, the in silico prediction for this alteration is inconclusive. Based on the available evidence, the clinical significance of this variant remains unclear.

Labcorp Genetics (formerly Invitae), Labcorp
Classification: Uncertain significance for Tuberous sclerosis 2. Last evaluated: 2019-04-22. Review status: criteria provided, single submitter. Criteria: Invitae Variant Classification Sherloc (09022015). Collection method: clinical testing. Allele origin: germline.
Comment: This sequence change replaces lysine with asparagine at codon 1251 of the TSC2 protein (p.Lys1251Asn). The lysine residue is moderately conserved and there is a moderate physicochemical difference between lysine and asparagine. This variant is not present in population databases (ExAC no frequency). This variant has not been reported in the literature in individuals with TSC2-related disease. Algorithms developed to predict the effect of missense changes on protein structure and function are either unavailable or do not agree on the potential impact of this missense change (SIFT: "Tolerated"; PolyPhen-2: "Probably Damaging"; Align-GVGD: "Class C0"). In summary, the available evidence is currently insufficient to determine the role of this variant in disease. Therefore, it has been classified as a Variant of Uncertain Significance.